The following is an entry in ClinVar:

NM_032601.4(MCEE):c.139C>T (p.Arg47Ter)

Gene: MCEE (methylmalonyl-CoA epimerase; minus strand). Cytogenetic location: 2p13.3.
Variant type: single nucleotide variant.
Coding change: c.139C>T on transcript NM_032601.4 (MANE Select); coding-DNA position 139, C replaced by T.
Protein change: p.Arg47Ter; replaces arginine 47 with a stop codon.
Molecular consequence: nonsense.
Genome position (GRCh38, 1-based): chr2:71,124,445, G>A on the plus strand (C>T on the coding strand, the complement: MCEE is on the minus strand). VCF-style: chr2-71124445-G-A. GRCh37 (hg19) VCF-style: chr2-71351575-G-A.
Other names: short protein forms R47*.
Identifiers: ClinVar variation 2343 (VCV000002343.56), dbSNP rs111033538, ClinGen allele CA339966.
Genomic context (GRCh38, chr2:71,124,445, plus strand): 5'-TCTTATAAAATGCTGCAGCCTTTTCCAAATCTGGCACTGCTATGGCTACATGGTTGAGTC[G>A]ACCCAGGTTCCACACAGAACCTGTCACTTGATCCAAGGGCTGTGATGTGGAAGAAGCTCT-3'

ClinVar aggregate classification (germline): Pathogenic. Review status: criteria provided, multiple submitters, no conflicts (2 of 4 stars). 15 submissions from 15 submitters: Pathogenic (11). 4 of the submissions do not count toward it. Last evaluated 2026-10-02.

Conditions:
MCEE-related disorders.
MCEE-related disorder. Also called: MCEE-related condition.
Inborn genetic diseases. Identifiers: MedGen C0950123, MeSH D030342.
Methylmalonic acidemia (MMA). Also called: Isolated Methylmalonic Acidemia. Identifiers: MedGen C0268583, MeSH C537358, MONDO:0002012, HP:0002912.
Methylmalonic acidemia due to methylmalonyl-CoA epimerase deficiency. Also called: METHYLMALONYL-CoA RACEMASE DEFICIENCY; Methylmalonyl-CoA Epimerase Deficiency; METHYLMALONIC ACIDURIA III. Identifiers: Orphanet 308425, MedGen C1855100, MONDO:0009615, OMIM 251120.

Allele frequency attached by ClinVar (database versions not stated): TOPMed 0.00030; gnomAD 0.00031 and 0.00030; ExAC 0.00025.

Submissions (15):

GeneDx
Classification: Pathogenic. Last evaluated: 2026-10-02. Review status: criteria provided, single submitter. Criteria: GeneDx Variant Classification Process June 2021. Collection method: clinical testing. Allele origin: germline.
Comment: Nonsense variant predicted to result in protein truncation or nonsense mediated decay in a gene for which loss of function is a known mechanism of disease; This variant is associated with the following publications: (PMID: 25525159, 16752391, 27699154, 16697227, 17823972, 31146325, 34426522, 31589614, 33726816, 31980526, 29104221, 30682498, 38034150, 36305448, 31345219, 39051409, 41782016)

Dasa
Classification: Pathogenic. Last evaluated: 2026-04-16. Review status: criteria provided, single submitter. Criteria: DASA Assertion Criteria. Collection method: clinical testing. Allele origin: germline.
Comment: NM_032601.4(MCEE):c.139C>T (p.Arg47*) introduces a premature termination codon predicted to result in loss of normal protein function. Loss-of-function is an established mechanism of disease for this gene. Segregation evidence has been reported in affected families. This variant has been observed in affected individuals with related phenotype in a genotype context consistent with recessive disease (PMID: 27699154; PMID: 29104221; PMID: 16752391). Functional evidence supports a deleterious effect on the gene or gene product (PMID: 27699154; PMID: 29104221; PMID: 16752391). This variant has been recurrently observed in individuals with related phenotype (PMID: 27699154; PMID: 29104221; PMID: 16752391). The variant is present at low frequency in population datasets. Based on the available data, this variant is classified as pathogenic.

Labcorp Genetics (formerly Invitae), Labcorp
Classification: Pathogenic for Methylmalonic acidemia due to methylmalonyl-CoA epimerase deficiency. Last evaluated: 2026-01-24. Review status: criteria provided, single submitter. Criteria: Invitae Variant Classification Sherloc (09022015). Collection method: clinical testing. Allele origin: germline.
Comment: This sequence change creates a premature translational stop signal (p.Arg47*) in the MCEE gene. It is expected to result in an absent or disrupted protein product. Loss-of-function variants in MCEE are known to be pathogenic (PMID: 16697227, 16752391, 30682498). This variant is present in population databases (rs111033538, gnomAD 0.05%). This premature translational stop signal has been observed in individuals with methylmalonyl-CoA epimerase deficiency (PMID: 16752391, 27699154, 29104221). ClinVar contains an entry for this variant (Variation ID: 2343). For these reasons, this variant has been classified as Pathogenic.

Blueprint Genetics
Classification: Pathogenic for MCEE-related disorders. Last evaluated: 2024-09-01. Review status: criteria provided, single submitter. Criteria: ACMG Guidelines, 2015. Collection method: clinical testing. Allele origin: germline. Affected: yes. Observed: 5 variant alleles.

Fulgent Genetics
Classification: Pathogenic for Methylmalonic acidemia due to methylmalonyl-CoA epimerase deficiency. Last evaluated: 2024-04-06. Review status: criteria provided, single submitter. Criteria: ACMG Guidelines, 2015. Collection method: clinical testing. Allele origin: germline.

Women's Health and Genetics/Laboratory Corporation of America, LabCorp
Classification: Pathogenic for Methylmalonic acidemia. Last evaluated: 2023-12-13. Review status: criteria provided, single submitter. Criteria: LabCorp Variant Classification Summary - May 2015. Collection method: clinical testing. Allele origin: germline.
Comment: Variant summary: MCEE c.139C>T (p.Arg47X) results in a premature termination codon and is expected to cause absence of the protein due to nonsense mediated decay, a commonly known mechanism for disease. The variant allele was found at a frequency of 0.00026 in 251162 control chromosomes (gnomAD). This frequency is not significantly higher than estimated for a pathogenic variant in MCEE causing Methylmalonic Acidemia (0.00026 vs 0.0005), allowing no conclusion about variant significance. c.139C>T has been reported in the literature in multiple individuals affected with Methylmalonic Acidemia (e.g. Heuberger_2019). These data indicate that the variant is very likely to be associated with disease. The following publication has been ascertained in the context of this evaluation (PMID: 30682498). Eight submitters have cited clinical-significance assessments for this variant to ClinVar after 2014. All submitters classified the variant as pathogenic. Based on the evidence outlined above, the variant was classified as pathogenic.

CeGaT Center for Human Genetics Tuebingen
Classification: Pathogenic. Last evaluated: 2023-08-01. Review status: criteria provided, single submitter. Criteria: CeGaT Center For Human Genetics Tuebingen Variant Classification Criteria Version 2. Collection method: clinical testing. Allele origin: germline. Affected: yes. Observed: 3 variant alleles.
Comment: MCEE: PM3:Strong, PP1:Strong, PM2, PVS1:Moderate, PS3:Supporting

Ambry Genetics
Classification: Pathogenic for Inborn genetic diseases. Last evaluated: 2021-07-13. Review status: criteria provided, single submitter. Criteria: Ambry Variant Classification Scheme 2023. Collection method: clinical testing. Allele origin: germline.
Comment: The c.139C>T (p.R47*) alteration, located in exon 2 (coding exon 2) of the MCEE gene, consists of a C to T substitution at nucleotide position 139. This changes the amino acid from an arginine (R) to a stop codon at amino acid position 47. The predicted stop codon occurs in the 5' end of the MCEE gene. Premature termination codons in the 5&rsquo; end of a gene have been reported to escape nonsense-mediated mRNA decay and/or lead to re-initiation (Rivas, 2015; Lindeboom, 2016; Rhee, 2017). Direct evidence for this alteration is unavailable, however premature termination codons are typically deleterious in nature. The c.139C>T (p.R47*) alteration has been reported in multiple individuals diagnosed with methylmalonyl-CoA epimerase deficiency in both the homozygous and compound heterozygous states (Abily-Donval, 2017; Andr&eacute;asson, 2019; Bikker, 2006; Dobson, 2006; Gradinger, 2007; Heuberger, 2019; Waters, 2016). In vitro findings in cultured fibroblasts showed a decrease in propionate incorporation into macromolecules and normal activity of methylmalonyl-CoA mutase (Bikker, 2006). Based on the available evidence, this alteration is classified as pathogenic.

Knight Diagnostic Laboratories, Oregon Health and Sciences University
Classification: Pathogenic for Methylmalonyl-CoA epimerase deficiency. Last evaluated: 2019-04-19. Review status: criteria provided, single submitter. Criteria: ACMG Guidelines, 2015. Collection method: clinical testing. Allele origin: germline. Observed: 1 variant allele.

Illumina Laboratory Services, Illumina
Classification: Pathogenic for Methylmalonic acidemia due to methylmalonyl-CoA epimerase deficiency. Last evaluated: 2018-02-12. Review status: criteria provided, single submitter. Criteria: ICSL Variant Classification Criteria 09 May 2019. Collection method: clinical testing. Allele origin: germline.
Comment: The MCEE c.139C>T (p.Arg47Ter) variant is a stop-gained variant that is predicted to result in premature termination of the protein. It has been reported in eight patients with methylmalonic acidemia (Bikker et al. 2006; Dobson et al. 2006; Gradinger et al. 2007; Mazzuca et al. 2015; Waters et al. 2016; Abily-Donval et al. 2017). Within this group, which included two sibling pairs, seven individuals were homozygous; the remaining patient was compound heterozygous for p.Arg47Ter and an intron variant that induced aberrant splicing. The phenotypic presentation of these patients was variable, ranging from the absence of clinical symptoms to language, motor, and neurological impairment. In two unrelated patients with a more severe phenotype, the methylmalonyl-CoA epimerase deficiency was combined with sepiapterin reductase deficiency. In at least one homozygous patient, inheritance of the variant from healthy carrier parents was demonstrated. The p.Arg47Ter variant was absent from 197 control individuals and is reported at a frequency of 0.000698 in the European American population of the Exome Sequencing Project. Fibroblasts from homozygous patients were complemented by mut, cblA, and cblB fibroblasts and infection with wild type MCEE cDNA corrected the biochemical phenotype, consistent with decreased [14C]propionate incorporation due to reduced epimerase function (Gradinger et al. 2007). Based on the collective evidence and the potential impact of stop-gained variants, the p.Arg47Ter variant is classified as pathogenic for methylmalonic acidemia. This variant was observed by ICSL as part of a predisposition screen in an ostensibly healthy population.

Eurofins Ntd Llc (ga)
Classification: Pathogenic. Last evaluated: 2017-01-27. Review status: criteria provided, single submitter. Criteria: EGL Classification Definitions 2015. Collection method: clinical testing. Allele origin: germline. Observed: 1 variant allele, 1 heterozygote.

Molecular Genetics Laboratory, BC Children's and BC Women's Hospitals
Classification: Pathogenic for Methylmalonic acidemia due to methylmalonyl-CoA epimerase deficiency. Last evaluated: 2025-06-10. Review status: no assertion criteria provided. Criteria: ACMG Guidelines, 2015. Collection method: clinical testing. Allele origin: unknown. Affected: yes. Not counted in ClinVar's aggregate classification.

PreventionGenetics, part of Exact Sciences
Classification: Pathogenic for MCEE-related condition. Last evaluated: 2024-08-27. Review status: no assertion criteria provided. Collection method: clinical testing. Allele origin: germline. Not counted in ClinVar's aggregate classification.
Comment: The MCEE c.139C>T variant is predicted to result in premature protein termination (p.Arg47*). This variant was reported in the homozygous state or with a second MCEE variant in patients with methylmalonic aciduria (Bikker et al. 2006. PubMed ID: 16752391; Waters et al. 2016. PubMed ID: 27699154; Abily-Donval et al. 2017. PubMed ID: 29104221; Heuberger et al. 2019. PubMed ID: 30682498). This variant is reported in 0.049% of alleles in individuals of European (Non-Finnish) descent in gnomAD. This variant is interpreted as pathogenic.

OMIM
Classification: Pathogenic for METHYLMALONYL-CoA EPIMERASE DEFICIENCY. Last evaluated: 2006-08-01. Review status: no assertion criteria provided. Collection method: literature only. Allele origin: germline. Not counted in ClinVar's aggregate classification.

GeneReviews
No classification provided. Condition: Methylmalonic acidemia due to methylmalonyl-CoA epimerase deficiency. Review status: no classification provided. Collection method: literature only. Allele origin: germline. Affected: yes. Not counted in ClinVar's aggregate classification.

Literature cited by the submitters: PubMed 27699154 (cited by 4 submitters); PubMed 29104221 (cited by 4 submitters); PubMed 16752391 (cited by 6 submitters); PubMed 16697227 (cited by 5 submitters); PubMed 30682498 (cited by 3 submitters); PubMed 17823972 (cited by Ambry Genetics and Illumina Laboratory Services, Illumina); PubMed 25954003 (cited by Ambry Genetics); PubMed 27618451 (cited by Ambry Genetics); PubMed 28490743 (cited by Ambry Genetics); PubMed 31146325 (cited by Ambry Genetics); PubMed 25763508 (cited by Illumina Laboratory Services, Illumina); NCBI Bookshelf NBK1231 (cited by GeneReviews).